The following is an entry in ClinVar:

ClinVar aggregate classification (germline): Uncertain significance. Review status: criteria provided, multiple submitters, no conflicts (2 of 4 stars). 3 submissions from 3 submitters: Uncertain significance (3). Last evaluated 2025-11-24.

Conditions:
Duchenne muscular dystrophy (DMD). Also called: Duchenne Muscular Dystrophy (DMD); MUSCULAR DYSTROPHY, PSEUDOHYPERTROPHIC PROGRESSIVE, DUCHENNE TYPE. Identifiers: Orphanet 98896, MedGen C0013264, MONDO:0010679, OMIM 310200.
Cardiovascular phenotype. Identifiers: MedGen CN230736.

Allele frequency attached by ClinVar (database versions not stated): TOPMed below 0.00001.

Submissions (3):

Labcorp Genetics (formerly Invitae), Labcorp
Classification: Uncertain significance for Duchenne muscular dystrophy. Last evaluated: 2025-11-24. Review status: criteria provided, single submitter. Criteria: Invitae Variant Classification Sherloc (09022015). Collection method: clinical testing. Allele origin: germline.
Comment: This sequence change replaces lysine, which is basic and polar, with arginine, which is basic and polar, at codon 1391 of the DMD protein (p.Lys1391Arg). This variant is not present in population databases (gnomAD no frequency). This variant has not been reported in the literature in individuals affected with DMD-related conditions. ClinVar contains an entry for this variant (Variation ID: 803882). Invitae Evidence Modeling of protein sequence and biophysical properties (such as structural, functional, and spatial information, amino acid conservation, physicochemical variation, residue mobility, and thermodynamic stability) indicates that this missense variant is not expected to disrupt DMD protein function with a negative predictive value of 95%. In summary, the available evidence is currently insufficient to determine the role of this variant in disease. Therefore, it has been classified as a Variant of Uncertain Significance.

Ambry Genetics
Classification: Uncertain significance for Cardiovascular phenotype. Last evaluated: 2021-11-29. Review status: criteria provided, single submitter. Criteria: Ambry Variant Classification Scheme 2023. Collection method: clinical testing. Allele origin: germline.
Comment: The p.K1391R variant (also known as c.4172A>G), located in coding exon 30 of the DMD gene, results from an A to G substitution at nucleotide position 4172. The lysine at codon 1391 is replaced by arginine, an amino acid with highly similar properties. This amino acid position is not well conserved in available vertebrate species. In addition, this alteration is predicted to be tolerated by in silico analysis. Since supporting evidence is limited at this time, the clinical significance of this alteration remains unclear.

Mendelics
Classification: Uncertain significance for Duchenne muscular dystrophy. Last evaluated: 2019-05-28. Review status: criteria provided, single submitter. Criteria: Mendelics Assertion Criteria 2017. Collection method: clinical testing. Allele origin: unknown.

NM_004006.3(DMD):c.4172A>G (p.Lys1391Arg)

Gene: DMD (dystrophin; minus strand). Cytogenetic location: Xp21.1.
Variant type: single nucleotide variant.
Coding change: c.4172A>G on transcript NM_004006.3 (MANE Select); coding-DNA position 4172, A replaced by G.
Protein change: p.Lys1391Arg; replaces lysine 1391 with arginine.
Molecular consequence: missense variant.
Genome position (GRCh38, 1-based): chrX:32,411,813, T>C on the plus strand (A>G on the coding strand, the complement: DMD is on the minus strand). VCF-style: chrX-32411813-T-C. GRCh37 (hg19) VCF-style: chrX-32429930-T-C.
Other names: c.4148A>G, p.Lys1383Arg (NM_000109.4); c.4160A>G, p.Lys1387Arg (NM_004009.3); c.3803A>G, p.Lys1268Arg (NM_004010.3); c.149A>G, p.Lys50Arg (NM_004011.4); c.140A>G, p.Lys47Arg (NM_004012.4); short protein forms K1383R, K1391R, K1268R, K50R, K1387R, K47R.
Identifiers: ClinVar variation 803882 (VCV000803882.11), dbSNP rs1603632892, ClinGen allele CA412666291.
Genomic context (GRCh38, chrX:32,411,813, plus strand): 5'-TGGGCTTCCTGAGGCATTTGAGCTGCGTCCACCTTGTCTGCAATATAAGCTGCCAACTGC[T>C]TGTCAATGAATGTGAGGGACTCCTGGATTAAGTGTAAGGATTTTTCAGTCTCCTGGGCAG-3'
Protein context (NP_003997.2, residues 1381-1401): LIQESLTFID[Lys1391Arg]QLAAYIADKV